The following is an entry in ClinVar:

NM_004621.6(TRPC6):c.1471T>C (p.Phe491Leu)

Gene: TRPC6 (transient receptor potential cation channel subfamily C member 6; minus strand). Cytogenetic location: 11q22.1.
Variant type: single nucleotide variant.
Coding change: c.1471T>C on transcript NM_004621.6 (MANE Select); coding-DNA position 1471, T replaced by C.
Protein change: p.Phe491Leu; replaces phenylalanine 491 with leucine.
Molecular consequence: missense variant.
Genome position (GRCh38, 1-based): chr11:101,482,988, A>G on the plus strand (T>C on the coding strand, the complement: TRPC6 is on the minus strand). VCF-style: chr11-101482988-A-G. GRCh37 (hg19) VCF-style: chr11-101353719-A-G.
Other names: short protein forms F491L.
Identifiers: ClinVar variation 2792547 (VCV002792547.3), dbSNP rs1490762968, ClinGen allele CA382441377.
Genomic context (GRCh38, chr11:101,482,988, plus strand): 5'-TGACAGAAAATCAGTCTTTACCTATTACCCAGGATATAATGAGCATCTCCATCCATGAGA[A>G]GCAGGATGTTTTCATCCTGAACAGCTGTTTTGCATTATCTGTGCTGGTTTCATTAGGAAG-3'
Protein context (NP_004612.2, residues 481-501): KQLFRMKTSC[Phe491Leu]SWMEMLIISW

ClinVar aggregate classification (germline): Uncertain significance (1 of 4 stars; one submission).

Allele frequency attached by ClinVar (database versions not stated): gnomAD exomes 0.00001; gnomAD 0.00001; TOPMed 0.00001.

Submission:

Labcorp Genetics (formerly Invitae), Labcorp
Classification: Uncertain significance. Last evaluated: 2025-06-12. Review status: criteria provided, single submitter. Criteria: Invitae Variant Classification Sherloc (09022015). Collection method: clinical testing. Allele origin: germline.
Comment: This sequence change replaces phenylalanine, which is neutral and non-polar, with leucine, which is neutral and non-polar, at codon 491 of the TRPC6 protein (p.Phe491Leu). This variant is not present in population databases (gnomAD no frequency). This variant has not been reported in the literature in individuals affected with TRPC6-related conditions. ClinVar contains an entry for this variant (Variation ID: 2792547). Invitae Evidence Modeling of protein sequence and biophysical properties (such as structural, functional, and spatial information, amino acid conservation, physicochemical variation, residue mobility, and thermodynamic stability) has been performed for this missense variant. However, the output from this modeling did not meet the statistical confidence thresholds required to predict the impact of this variant on TRPC6 protein function. In summary, the available evidence is currently insufficient to determine the role of this variant in disease. Therefore, it has been classified as a Variant of Uncertain Significance.